The following is an entry in ClinVar:

ClinVar aggregate classification (germline): Uncertain significance. Review status: criteria provided, multiple submitters, no conflicts (2 of 4 stars). 4 submissions from 4 submitters: Uncertain significance (4). Last evaluated 2026-09-01.

Conditions:
Familial thoracic aortic aneurysm and aortic dissection (TAAD). Also called: Thoracic aortic aneurysms and dissections. Identifiers: Orphanet 91387, MedGen C4707243, MONDO:0019625.
Ehlers-Danlos syndrome, type 4 (EDSVASC). Also called: Ehlers-Danlos Syndrome Type IV; Ehlers-Danlos syndrome vascular type; Ehlers Danlos syndrome, ecchymotic type; Ehlers Danlos syndrome, arterial type; Ehlers Danlos syndrome, Sack-Barabas type. Identifiers: Orphanet 286, MedGen C0268338, MONDO:0017314, OMIM 130050.

Allele frequency attached by ClinVar (database versions not stated): gnomAD exomes below 0.00001; TOPMed below 0.00001; gnomAD 0.00001.
gnomAD v4.1: 3 of 1,614,114 alleles (0.00019%); highest among the groups gnomAD compares: Non-Finnish European, 0.00025%; no homozygotes.

Submissions (4):

Ambry Genetics
Classification: Uncertain significance for Familial thoracic aortic aneurysm and aortic dissection. Last evaluated: 2026-09-01. Review status: criteria provided, single submitter. Criteria: Ambry Variant Classification Scheme 2023. Collection method: clinical testing. Allele origin: germline.

Labcorp Genetics (formerly Invitae), Labcorp
Classification: Uncertain significance for Ehlers-Danlos syndrome, type 4. Last evaluated: 2025-09-25. Review status: criteria provided, single submitter. Criteria: Invitae Variant Classification Sherloc (09022015). Collection method: clinical testing. Allele origin: germline.
Comment: This sequence change replaces alanine, which is neutral and non-polar, with threonine, which is neutral and polar, at codon 494 of the COL3A1 protein (p.Ala494Thr). This variant is not present in population databases (gnomAD no frequency). This variant has not been reported in the literature in individuals affected with COL3A1-related conditions. ClinVar contains an entry for this variant (Variation ID: 837518). Invitae Evidence Modeling of protein sequence and biophysical properties (such as structural, functional, and spatial information, amino acid conservation, physicochemical variation, residue mobility, and thermodynamic stability) indicates that this missense variant is not expected to disrupt COL3A1 protein function with a negative predictive value of 95%. In summary, the available evidence is currently insufficient to determine the role of this variant in disease. Therefore, it has been classified as a Variant of Uncertain Significance.

Color Diagnostics, LLC DBA Color Health
Classification: Uncertain significance for Familial thoracic aortic aneurysm and aortic dissection. Last evaluated: 2023-12-04. Review status: criteria provided, single submitter. Criteria: ACMG Guidelines, 2015. Collection method: clinical testing. Allele origin: germline.
Comment: Variant of Uncertain Significance due to insufficient evidence: This missense variant replaces alanine with threonine at codon 494 of the COL3A1 protein. Computational prediction tools and conservation analyses are inconclusive regarding the impact of this variant on the protein function. Computational splicing tools suggest that this variant may not impact RNA splicing. To our knowledge, functional assays have not been performed for this variant nor has this variant been reported in individuals affected with cardiovascular disorders in the literature. This variant is rare in the general population and has been identified in 0/277264 chromosomes by the Genome Aggregation Database (gnomAD). Available evidence is insufficient to determine the role of this variant in disease conclusively.

GeneDx
Classification: Uncertain significance. Last evaluated: 2021-03-17. Review status: criteria provided, single submitter. Criteria: GeneDx Variant Classification Process June 2021. Collection method: clinical testing. Allele origin: germline. Affected: yes.
Comment: Has not been previously published as pathogenic or benign to our knowledge; Reported in ClinVar as a variant of uncertain significance (ClinVar Variant ID# 837518; Landrum et al., 2016); Not observed in large population cohorts (Lek et al., 2016); In silico analysis, which includes protein predictors and evolutionary conservation, supports that this variant does not alter protein structure/function; Occurs in the triple helical domain at the Y position in the canonical Gly-X-Y repeat; although this variant may have an effect on normal protein folding and function, missense substitution at the Y position is not a common mechanism of disease (Stenson et al., 2014)

NM_000090.4(COL3A1):c.1480G>A (p.Ala494Thr)

Gene: COL3A1 (collagen type III alpha 1 chain; plus strand). Cytogenetic location: 2q32.2.
Variant type: single nucleotide variant.
Coding change: c.1480G>A on transcript NM_000090.4 (MANE Select); coding-DNA position 1480, G replaced by A.
Protein change: p.Ala494Thr; replaces alanine 494 with threonine.
Molecular consequence: missense variant.
Genome position (GRCh38, 1-based): chr2:188,995,070, G>A. VCF-style: chr2-188995070-G-A. GRCh37 (hg19) VCF-style: chr2-189859796-G-A.
Other names: short protein forms A494T.
Identifiers: ClinVar variation 837518 (VCV000837518.18), dbSNP rs200866608, ClinGen allele CA62596421.